The following is an entry in ClinVar:

NM_002547.3(OPHN1):c.1742T>C (p.Val581Ala)

Gene: OPHN1 (oligophrenin 1; minus strand). Cytogenetic location: Xq12.
Variant type: single nucleotide variant.
Coding change: c.1742T>C on transcript NM_002547.3 (MANE Select); coding-DNA position 1742, T replaced by C.
Protein change: p.Val581Ala; replaces valine 581 with alanine.
Molecular consequence: missense variant.
Genome position (GRCh38, 1-based): chrX:68,073,244, A>G on the plus strand (T>C on the coding strand, the complement: OPHN1 is on the minus strand). VCF-style: chrX-68073244-A-G. GRCh37 (hg19) VCF-style: chrX-67293086-A-G.
Other names: short protein forms V581A.
Identifiers: ClinVar variation 1211110 (VCV001211110.3), dbSNP rs2076941397, ClinGen allele CA413431415.

ClinVar aggregate classification (germline): Uncertain significance (1 of 4 stars; one submission).

Submission:

GeneDx
Classification: Uncertain significance. Last evaluated: 2020-07-07. Review status: criteria provided, single submitter. Criteria: GeneDx Variant Classification Process June 2021. Collection method: clinical testing. Allele origin: germline. Affected: yes.
Comment: Not observed in large population cohorts (Lek et al., 2016); In silico analysis supports that this missense variant does not alter protein structure/function; Has not been previously published as pathogenic or benign to our knowledge